The following is an entry in ClinVar:

NM_000059.4(BRCA2):c.6997_6998dup (p.Pro2334fs)

Gene: BRCA2 (BRCA2 DNA repair associated; plus strand). Cytogenetic location: 13q13.1.
Variant type: Microsatellite.
Coding change: c.6997_6998dup on transcript NM_000059.4 (MANE Select); coding-DNA positions 6997 to 6998, 2 bases duplicated (GT; older notation c.6997_6998dupGT).
Protein change: p.Pro2334fs; shifts the reading frame from proline 2334.
Molecular consequence: frameshift variant.
Genome position (GRCh38, 1-based): chr13:32,346,886-32,346,887, GT duplicated; duplicating any 2 consecutive bases within chr13:32,346,883-32,346,887 gives the same sequence; the c. name uses the placement nearest the transcript's 3' end. VCF-style (leftmost placement, unchanged base first): chr13-32346882-C-CTG. GRCh37 (hg19) VCF-style: chr13-32921019-C-CTG.
Other names: short protein forms P2334fs.
Identifiers: ClinVar variation 826756 (VCV000826756.6), dbSNP rs1593913331, ClinGen allele CA915946861.

ClinVar aggregate classification (germline): Pathogenic. Review status: criteria provided, multiple submitters, no conflicts (2 of 4 stars). 2 submissions from 2 submitters: Pathogenic (2). Last evaluated 2024-02-06.

Conditions:
Hereditary breast ovarian cancer syndrome. Also called: Hereditary breast and ovarian cancer syndrome; Hereditary breast and ovarian cancer; Hereditary breast and ovarian cancer syndrome (HBOC); Breast and ovarian cancer; Hereditary breast and/or ovarian cancer syndrome; BRCA1- and BRCA2-Associated Hereditary Breast and Ovarian Cancer. Identifiers: Orphanet 145, MedGen C0677776, MeSH D061325, MONDO:0003582. Disease mechanism: loss of function.
Hereditary cancer-predisposing syndrome. Also called: Neoplastic Syndromes, Hereditary; Tumor predisposition; Hereditary neoplastic syndrome; Hereditary Cancer Syndrome. Identifiers: Orphanet 140162, MedGen C0027672, MeSH D009386, MONDO:0015356.

Submissions (2):

Labcorp Genetics (formerly Invitae), Labcorp
Classification: Pathogenic for Hereditary breast ovarian cancer syndrome. Last evaluated: 2024-02-06. Review status: criteria provided, single submitter. Criteria: Invitae Variant Classification Sherloc (09022015). Collection method: clinical testing. Allele origin: germline.
Comment: This sequence change creates a premature translational stop signal (p.Pro2334Tyrfs*34) in the BRCA2 gene. It is expected to result in an absent or disrupted protein product. Loss-of-function variants in BRCA2 are known to be pathogenic (PMID: 20104584). This variant is not present in population databases (gnomAD no frequency). This variant has not been reported in the literature in individuals affected with BRCA2-related conditions. ClinVar contains an entry for this variant (Variation ID: 826756). For these reasons, this variant has been classified as Pathogenic.

Ambry Genetics
Classification: Pathogenic for Hereditary cancer-predisposing syndrome. Last evaluated: 2019-03-26. Review status: criteria provided, single submitter. Criteria: Ambry Variant Classification Scheme 2023. Collection method: clinical testing. Allele origin: germline.
Comment: The c.6997_6998dupGT pathogenic mutation, located in coding exon 12 of the BRCA2 gene, results from a duplication of GT at nucleotide position 6997, causing a translational frameshift with a predicted alternate stop codon (p.P2334Yfs*34). This alteration is expected to result in loss of function by premature protein truncation or nonsense-mediated mRNA decay. As such, this alteration is interpreted as a disease-causing mutation.

Literature cited by the submitters: PubMed 20104584 (cited by Labcorp Genetics (formerly Invitae), Labcorp).